The following is an entry in ClinVar:

NM_001101.5(ACTB):c.1078dup (p.Gln360fs)

Gene: ACTB (actin beta; minus strand). Cytogenetic location: 7p22.1.
Variant type: Duplication.
Coding change: c.1078dup on transcript NM_001101.5 (MANE Select); coding-DNA position 1078, one base duplicated (C; older notation c.1078dupC).
Protein change: p.Gln360fs; shifts the reading frame from glutamine 360.
Molecular consequence: frameshift variant.
Genome position (GRCh38, 1-based): chr7:5,527,798, G duplicated on the plus strand (C on the coding strand, the reverse complement: ACTB is on the minus strand). VCF-style (leftmost placement, unchanged base first): chr7-5527797-T-TG. GRCh37 (hg19) VCF-style: chr7-5567428-T-TG.
Other names: c.1078dup (LRG_132t1); c.1078dupC (NM_001101.3); short protein forms Q360fs.
Identifiers: ClinVar variation 561721 (VCV000561721.5), dbSNP rs1562718649, ClinGen allele CA658822618.
Genomic context (GRCh38, chr7:5,527,797, plus strand): 5'-TCATAGTCCGCCTAGAAGCATTTGCGGTGGACGATGGAGGGGCCGGACTCGTCATACTCC[T>TG]GCTTGCTGATCCACATCTGCTGGAAGGTGGACAGCGAGGCCAGGATGGAGCCGCCGATCC-3'

ClinVar aggregate classification (germline): Conflicting classifications of pathogenicity. Review status: criteria provided, conflicting classifications (1 of 4 stars). 3 submissions from 3 submitters: Pathogenic (1); Likely pathogenic (1); Uncertain significance (1). Last evaluated 2020-04-29.

Conditions:
Baraitser-Winter syndrome. Also called: Baraitser-Winter cerebrofrontofacial syndrome; CEREBROOCULOFACIAL LYMPHATIC SYNDROME; COFL SYNDROME; Fryns-Aftimos syndrome; Fryns-Aftimos Syndrome (Pachygyria, Mental Retardation, Epilepsy, and Characteristic Facies). Identifiers: Orphanet 2995, MedGen C1853623, MONDO:0017579.
Baraitser-Winter syndrome 1 (BRWS1). Also called: MENTAL RETARDATION WITH EPILEPSY AND CHARACTERISTIC FACIES; BARAITSER-WINTER SYNDROME 1, ATYPICAL; PACHYGYRIA, MENTAL RETARDATION, EPILEPSY, AND CHARACTERISTIC FACIES; Cerebrofrontofacial syndrome. Identifiers: Orphanet 2649, Orphanet 2995, MedGen C1855722, MONDO:0009470, OMIM 243310.

Submissions (3):

GeneDx
Classification: Pathogenic. Last evaluated: 2020-04-29. Review status: criteria provided, single submitter. Criteria: GeneDx Variant Classification Process June 2021. Collection method: clinical testing. Allele origin: germline. Affected: yes.
Comment: Has not been previously published as pathogenic or benign to our knowledge; Frameshift variant predicted to result in protein truncation, as the last 16 amino acids are replaced with 3 different amino acids, and other loss-of-function variants have been reported downstream in the Human Gene Mutation Database (Stenson et al., 2014); Not observed in large population cohorts (Lek et al., 2016)

Labcorp Genetics (formerly Invitae), Labcorp
Classification: Uncertain significance for Baraitser-Winter syndrome. Last evaluated: 2018-10-01. Review status: criteria provided, single submitter. Criteria: Invitae Variant Classification Sherloc (09022015). Collection method: clinical testing. Allele origin: germline.
Comment: This sequence change results in a premature translational stop signal in the ACTB gene (p.Gln360Profs*4). While this is not anticipated to result in nonsense mediated decay, it is expected to disrupt the last 16 amino acids of the ACTB protein. This variant is not present in population databases (ExAC no frequency). This variant has not been reported in the literature in individuals with ACTB-related disease. Experimental studies and prediction algorithms are not available for this variant, and the functional significance of the affected amino acids is currently unknown. In summary, the available evidence is currently insufficient to determine the role of this variant in disease. Therefore, it has been classified as a Variant of Uncertain Significance.

Suma Genomics
Classification: Likely pathogenic for Baraitser-Winter syndrome 1. Review status: criteria provided, single submitter. Criteria: ACMG Guidelines, 2015. Collection method: clinical testing. Allele origin: germline. Inheritance: Autosomal dominant inheritance. Affected: yes.